The following is an entry in ClinVar:

NM_152743.4(BRAT1):c.1925_1926del (p.Ala642fs)

Gene: BRAT1 (BRCA1 associated ATM activator 1; minus strand). Cytogenetic location: 7p22.3.
Variant type: Deletion.
Coding change: c.1925_1926del on transcript NM_152743.4 (MANE Select); coding-DNA positions 1925 to 1926, 2 bases deleted (CG; older notation c.1925_1926delCG).
Protein change: p.Ala642fs; shifts the reading frame from alanine 642.
Molecular consequence: frameshift variant. On other transcripts: non-coding transcript variant (1).
Genome position (GRCh38, 1-based): chr7:2,538,609-2,538,610, CG deleted on the plus strand (CG on the coding strand, the reverse complement: BRAT1 is on the minus strand); deleting any 2 consecutive bases within chr7:2,538,609-2,538,611 gives the same sequence; the c. name uses the placement nearest the transcript's 3' end. VCF-style (leftmost placement, unchanged base first): chr7-2538608-TCG-T. GRCh37 (hg19) VCF-style: chr7-2578242-TCG-T.
Other names: c.2105_2106del, p.Ala702fs (NM_001350626.2); c.1400_1401del, p.Ala467fs (NM_001350627.2); short protein forms A467fs, A642fs, A702fs.
Identifiers: ClinVar variation 4720319 (VCV004720319.1).
Genomic context (GRCh38, chr7:2,538,608, plus strand): 5'-CCAGGAACACGAGGGCCAGCTCCAGGCCCTGGGCGCGGACCTCCCAGTCCAGGTCTCGGC[TCG>T]CCGCCTGCAGCACAGTGGCCACGAACTGCTCCGTGTCCTGGGCCGCGTCGGCGTGGCCGT-3'

ClinVar aggregate classification (germline): Pathogenic (1 of 4 stars; one submission).

Conditions:
Neonatal-onset encephalopathy with rigidity and seizures. Also called: Lethal neonatal spasticity-epileptic encephalopathy syndrome. Identifiers: Orphanet 435845, MedGen C3281029, MONDO:0013784, OMIM 614498.

Submission:

Labcorp Genetics (formerly Invitae), Labcorp
Classification: Pathogenic for Neonatal-onset encephalopathy with rigidity and seizures. Last evaluated: 2025-05-27. Review status: criteria provided, single submitter. Criteria: Invitae Variant Classification Sherloc (09022015). Collection method: clinical testing. Allele origin: germline.
Comment: This sequence change creates a premature translational stop signal (p.Ala642Glufs*60) in the BRAT1 gene. While this is not anticipated to result in nonsense mediated decay, it is expected to disrupt the last 180 amino acid(s) of the BRAT1 protein. This variant is not present in population databases (gnomAD no frequency). This variant has not been reported in the literature in individuals affected with BRAT1-related conditions. This variant disrupts a region of the BRAT1 protein in which other variant(s) (p.Gly765Argfs*6) have been determined to be pathogenic (PMID: 32565546; internal data). This suggests that this is a clinically significant region of the protein, and that variants that disrupt it are likely to be disease-causing. For these reasons, this variant has been classified as Pathogenic.

Literature cited by the submitters: PubMed 32565546.